The following is an entry in ClinVar:

ClinVar aggregate classification (germline): Benign/Likely benign. Review status: criteria provided, multiple submitters, no conflicts (2 of 4 stars). 3 submissions from 3 submitters: Benign (1); Likely benign (2). Last evaluated 2024-05-17.

Conditions:
Hereditary cancer-predisposing syndrome. Also called: Hereditary Cancer Syndrome; Hereditary neoplastic syndrome; Neoplastic Syndromes, Hereditary; Tumor predisposition. Identifiers: Orphanet 140162, MedGen C0027672, MeSH D009386, MONDO:0015356.
Familial cancer of breast. Also called: BREAST CANCER, FAMILIAL; Hereditary breast cancer; hereditary breast carcinoma. Identifiers: Orphanet 227535, MedGen C0346153, MONDO:0016419, OMIM 114480. Disease mechanism: loss of function.
Ataxia-telangiectasia syndrome (AT). Also called: Ataxia-telangiectasia; Cerebello-oculocutaneous telangiectasia; Immunodeficiency with ataxia telangiectasia; Ataxia-telangiectasia, complementation group D; AT, COMPLEMENTATION GROUP C; Ataxia telangiectasia (A-T). Identifiers: Orphanet 100, MedGen C0004135, MONDO:0008840, OMIM 208900.

Allele frequency attached by ClinVar (database versions not stated): gnomAD exomes below 0.00001; gnomAD 0.00001.
gnomAD v4.1: 4 of 1,613,644 alleles (0.00025%); highest among the groups gnomAD compares: African/African-American, 0.004%; no homozygotes.

Submissions (3):

Myriad Genetics, Inc.
Classification: Benign for Familial cancer of breast. Last evaluated: 2024-05-17. Review status: criteria provided, single submitter. Criteria: Myriad Autosomal Dominant, Autosomal Recessive and X-Linked Classification Criteria (2023). Collection method: clinical testing. Allele origin: unknown.
Comment: This variant is considered benign. This variant is a silent/synonymous amino acid change and it is not expected to impact splicing.

Labcorp Genetics (formerly Invitae), Labcorp
Classification: Likely benign for Ataxia-telangiectasia syndrome. Last evaluated: 2024-03-06. Review status: criteria provided, single submitter. Criteria: Invitae Variant Classification Sherloc (09022015). Collection method: clinical testing. Allele origin: germline.

Ambry Genetics
Classification: Likely benign for Hereditary cancer-predisposing syndrome. Last evaluated: 2019-12-23. Review status: criteria provided, single submitter. Criteria: Ambry Variant Classification Scheme 2023. Collection method: clinical testing. Allele origin: germline.

NM_000051.4(ATM):c.4356T>C (p.Asp1452=)

Gene: ATM (ATM serine/threonine kinase; plus strand). Cytogenetic location: 11q22.3.
Variant type: single nucleotide variant.
Coding change: c.4356T>C on transcript NM_000051.4 (MANE Select); coding-DNA position 4356, T replaced by C.
Protein change: p.Asp1452=; no amino-acid change (aspartic acid 1452 retained).
Molecular consequence: synonymous variant.
Genome position (GRCh38, 1-based): chr11:108,289,721, T>C. VCF-style: chr11-108289721-T-C. GRCh37 (hg19) VCF-style: chr11-108160448-T-C.
Other names: c.4356T>C, p.Asp1452= (NM_001351834.2).
Identifiers: ClinVar variation 1154360 (VCV001154360.12), dbSNP rs1283294799, ClinGen allele CA476673964.